The following is an entry in ClinVar:

ClinVar aggregate classification (germline): Uncertain significance (1 of 4 stars; one submission).

Conditions:
Hyper-IgE recurrent infection syndrome 1, autosomal dominant. Also called: STAT3 Hyper IgE Syndrome; JOB SYNDROME; Hyper-IgE recurrent infection syndrome 1; HYPER-IgE SYNDROME 1, AUTOSOMAL DOMINANT, WITH RECURRENT INFECTIONS; Job's Syndrome. Identifiers: Orphanet 2314, MedGen C2936739, MONDO:0007818, OMIM 147060.
STAT3 gain of function. Identifiers: MedGen C4288261.

Allele frequency attached by ClinVar (database versions not stated): gnomAD exomes below 0.00001.

Submission:

Labcorp Genetics (formerly Invitae), Labcorp
Classification: Uncertain significance for STAT3 gain of function; Hyper-IgE recurrent infection syndrome 1, autosomal dominant. Last evaluated: 2019-05-25. Review status: criteria provided, single submitter. Criteria: Invitae Variant Classification Sherloc (09022015). Collection method: clinical testing. Allele origin: germline.
Comment: In summary, the available evidence is currently insufficient to determine the role of this variant in disease. Therefore, it has been classified as a Variant of Uncertain Significance. This sequence change replaces tyrosine with cysteine at codon 94 of the STAT3 protein (p.Tyr94Cys). The tyrosine residue is moderately conserved and there is a large physicochemical difference between tyrosine and cysteine. This variant is not present in population databases (ExAC no frequency). This variant has not been reported in the literature in individuals with STAT3-related conditions. Algorithms developed to predict the effect of missense changes on protein structure and function are either unavailable or do not agree on the potential impact of this missense change (SIFT: "Deleterious"; PolyPhen-2: "Benign"; Align-GVGD: "Class C0").

NM_139276.3(STAT3):c.281A>G (p.Tyr94Cys)

Gene: STAT3 (signal transducer and activator of transcription 3; minus strand). Cytogenetic location: 17q21.2.
Variant type: single nucleotide variant.
Coding change: c.281A>G on transcript NM_139276.3 (MANE Select); coding-DNA position 281, A replaced by G.
Protein change: p.Tyr94Cys; replaces tyrosine 94 with cysteine.
Molecular consequence: missense variant.
Genome position (GRCh38, 1-based): chr17:42,345,650, T>C on the plus strand (A>G on the coding strand, the complement: STAT3 is on the minus strand). VCF-style: chr17-42345650-T-C. GRCh37 (hg19) VCF-style: chr17-40497668-T-C.
Other names: c.281A>G, p.Tyr94Cys (NM_001369512.1, NM_001369513.1, NM_001369514.1 and 7 more transcripts); short protein forms Y94C.
Identifiers: ClinVar variation 933479 (VCV000933479.10), dbSNP rs2082663522, ClinGen allele CA399596681.